The following is an entry in ClinVar:

ClinVar aggregate classification (germline): Uncertain significance (1 of 4 stars; one submission).

gnomAD v4.1: 8 of 1,611,436 alleles (0.0005%); highest among the groups gnomAD compares: East Asian, 0.013%; no homozygotes.

Submission:

Ambry Genetics
Classification: Uncertain significance. Last evaluated: 2023-12-15. Review status: criteria provided, single submitter. Criteria: Ambry Variant Classification Scheme 2023. Collection method: clinical testing. Allele origin: germline.
Comment: The p.K1057Q variant (also known as c.3169A>C), located in coding exon 17 of the NPAT gene, results from an A to C substitution at nucleotide position 3169. The lysine at codon 1057 is replaced by glutamine, an amino acid with similar properties. This amino acid position is conserved. In addition, this alteration is predicted to be tolerated by in silico analysis. Since supporting evidence is limited at this time, the clinical significance of this alteration remains unclear.

NM_002519.3(NPAT):c.3169A>C (p.Lys1057Gln)

Gene: NPAT (nuclear protein, coactivator of histone transcription; minus strand). Cytogenetic location: 11q22.3.
Variant type: single nucleotide variant.
Coding change: c.3169A>C on transcript NM_002519.3 (MANE Select); coding-DNA position 3169, A replaced by C.
Protein change: p.Lys1057Gln; replaces lysine 1057 with glutamine.
Molecular consequence: missense variant.
Genome position (GRCh38, 1-based): chr11:108,161,917, T>G on the plus strand (A>C on the coding strand, the complement: NPAT is on the minus strand). VCF-style: chr11-108161917-T-G. GRCh37 (hg19) VCF-style: chr11-108032644-T-G.
Other names: c.3190A>C, p.Lys1064Gln (NM_001321307.1); short protein forms K1064Q, K1057Q.
Identifiers: ClinVar variation 1728391 (VCV001728391.2), dbSNP rs773865494, ClinGen allele CA6263629.